The following is an entry in ClinVar:

ClinVar aggregate classification (germline): Likely benign (1 of 4 stars; one submission).

Allele frequency attached by ClinVar (database versions not stated): 1000 Genomes Project 0.00799; 1000 Genomes Project 30x 0.00937.
gnomAD v4.1: 1,578 of 152,164 alleles (1%); highest among the groups gnomAD compares: African/African-American, 3.5%; 29 homozygotes.

Submission:

GeneDx
Classification: Likely benign. Last evaluated: 2021-12-31. Review status: criteria provided, single submitter. Criteria: GeneDx Variant Classification Process June 2021. Collection method: clinical testing. Allele origin: germline. Affected: yes.
Comment: See Variant Classification Assertion Criteria.

NM_020632.3(ATP6V0A4):c.1320+180G>A

Gene: ATP6V0A4 (ATPase H+ transporting V0 subunit a4; minus strand). Cytogenetic location: 7q34.
Variant type: single nucleotide variant.
Coding change: c.1320+180G>A on transcript NM_020632.3 (MANE Select); 180 bases into the intron after coding-DNA position 1320, G replaced by A.
Molecular consequence: intron variant.
Genome position (GRCh38, 1-based): chr7:138,747,245, C>T on the plus strand (G>A on the coding strand, the complement: ATP6V0A4 is on the minus strand). VCF-style: chr7-138747245-C-T. GRCh37 (hg19) VCF-style: chr7-138431990-C-T.
Other names: c.1320+180G>A (NM_130840.3, NM_130841.3).
Identifiers: ClinVar variation 1706928 (VCV001706928.2), dbSNP rs73730496, ClinGen allele CA167115647.